The following is an entry in ClinVar:

ClinVar aggregate classification (germline): Uncertain significance. Review status: criteria provided, multiple submitters, no conflicts (2 of 4 stars). 2 submissions from 2 submitters: Uncertain significance (2). Last evaluated 2023-01-03.

Allele frequency attached by ClinVar (database versions not stated): ExAC 0.00001; gnomAD exomes 0.00001.
gnomAD v4.1: 9 of 1,613,870 alleles (0.00056%); highest among the groups gnomAD compares: South Asian, 0.0022%; no homozygotes.

Submissions (2):

Labcorp Genetics (formerly Invitae), Labcorp
Classification: Uncertain significance. Last evaluated: 2023-01-03. Review status: criteria provided, single submitter. Criteria: Invitae Variant Classification Sherloc (09022015). Collection method: clinical testing. Allele origin: germline.
Comment: In summary, the available evidence is currently insufficient to determine the role of this variant in disease. Therefore, it has been classified as a Variant of Uncertain Significance. Algorithms developed to predict the effect of missense changes on protein structure and function are either unavailable or do not agree on the potential impact of this missense change (SIFT: "Tolerated"; PolyPhen-2: "Possibly Damaging"; Align-GVGD: "Class C0"). This variant has not been reported in the literature in individuals affected with RPL23-related conditions. This variant is present in population databases (rs762581833, gnomAD 0.003%). This sequence change replaces arginine, which is basic and polar, with histidine, which is basic and polar, at codon 89 of the RPL23 protein (p.Arg89His).

Ambry Genetics
Classification: Uncertain significance. Last evaluated: 2022-11-03. Review status: criteria provided, single submitter. Criteria: Ambry Variant Classification Scheme 2023. Collection method: clinical testing. Allele origin: germline.

NM_000978.4(RPL23):c.266G>A (p.Arg89His)

Gene: RPL23 (ribosomal protein L23; minus strand). Cytogenetic location: 17q12.
Variant type: single nucleotide variant.
Coding change: c.266G>A on transcript NM_000978.4 (MANE Select); coding-DNA position 266, G replaced by A.
Protein change: p.Arg89His; replaces arginine 89 with histidine.
Molecular consequence: missense variant.
Genome position (GRCh38, 1-based): chr17:38,850,436, C>T on the plus strand (G>A on the coding strand, the complement: RPL23 is on the minus strand). VCF-style: chr17-38850436-C-T. GRCh37 (hg19) VCF-style: chr17-37006689-C-T.
Other names: short protein forms R89H.
Identifiers: ClinVar variation 2322450 (VCV002322450.5), dbSNP rs762581833, ClinGen allele CA8526509.